The following is an entry in ClinVar:

NM_001369.3(DNAH5):c.13753_13759dup (p.Tyr4587fs)

Gene: DNAH5 (dynein axonemal heavy chain 5; minus strand). Cytogenetic location: 5p15.2.
Variant type: Duplication.
Coding change: c.13753_13759dup on transcript NM_001369.3 (MANE Select); coding-DNA positions 13753 to 13759, 7 bases duplicated (CCCATCT; older notation c.13753_13759dupCCCATCT).
Protein change: p.Tyr4587fs; shifts the reading frame from tyrosine 4587.
Molecular consequence: frameshift variant.
Genome position (GRCh38, 1-based): chr5:13,692,100-13,692,106, AGATGGG duplicated on the plus strand (CCCATCT on the coding strand, the reverse complement: DNAH5 is on the minus strand); duplicating any 7 consecutive bases within chr5:13,692,100-13,692,107 gives the same sequence; the c. name uses the placement nearest the transcript's 3' end. VCF-style (leftmost placement, unchanged base first): chr5-13692099-T-TAGATGGG. GRCh37 (hg19) VCF-style: chr5-13692208-T-TAGATGGG.
Other names: short protein forms Y4587fs.
Identifiers: ClinVar variation 3644056 (VCV003644056.2).

ClinVar aggregate classification (germline): Pathogenic (1 of 4 stars; one submission).

Conditions:
Primary ciliary dyskinesia. Also called: Ciliary dyskinesia. Identifiers: Orphanet 244, MedGen C0008780, MONDO:0016575, HP:0012265.

Submission:

Labcorp Genetics (formerly Invitae), Labcorp
Classification: Pathogenic for Primary ciliary dyskinesia. Last evaluated: 2024-03-01. Review status: criteria provided, single submitter. Criteria: Invitae Variant Classification Sherloc (09022015). Collection method: clinical testing. Allele origin: germline.
Comment: This sequence change creates a premature translational stop signal (p.Tyr4587Serfs*4) in the DNAH5 gene. While this is not anticipated to result in nonsense mediated decay, it is expected to disrupt the last 38 amino acid(s) of the DNAH5 protein. This variant is not present in population databases (gnomAD no frequency). This variant has not been reported in the literature in individuals affected with DNAH5-related conditions. This variant disrupts a region of the DNAH5 protein in which other variant(s) (p.Arg4592*) have been determined to be pathogenic (PMID: 32502767; Invitae). This suggests that this is a clinically significant region of the protein, and that variants that disrupt it are likely to be disease-causing. For these reasons, this variant has been classified as Pathogenic.

Literature cited by the submitters: PubMed 32502767.